The following is an entry in ClinVar:

NM_133372.3(FNIP1):c.2533G>A (p.Glu845Lys)

Gene: FNIP1 (folliculin interacting protein 1; minus strand). Cytogenetic location: 5q31.1.
Variant type: single nucleotide variant.
Coding change: c.2533G>A on transcript NM_133372.3 (MANE Select); coding-DNA position 2533, G replaced by A.
Protein change: p.Glu845Lys; replaces glutamic acid 845 with lysine.
Molecular consequence: missense variant.
Genome position (GRCh38, 1-based): chr5:131,671,911, C>T on the plus strand (G>A on the coding strand, the complement: FNIP1 is on the minus strand). VCF-style: chr5-131671911-C-T. GRCh37 (hg19) VCF-style: chr5-131007604-C-T.
Other names: c.2533G>A (NM_133372.2); c.2449G>A, p.Glu817Lys (NM_001008738.3); c.2398G>A, p.Glu800Lys (NM_001346114.2); short protein forms E800K, E845K, E817K.
Identifiers: ClinVar variation 2200499 (VCV002200499.4), dbSNP rs377590143, ClinGen allele CA3400499.

ClinVar aggregate classification (germline): Uncertain significance. Review status: criteria provided, multiple submitters, no conflicts (2 of 4 stars). 2 submissions from 2 submitters: Uncertain significance (2). Last evaluated 2025-10-29.

Conditions:
Inborn genetic diseases. Identifiers: MedGen C0950123, MeSH D030342.

Allele frequency attached by ClinVar (database versions not stated): ExAC 0.00011; gnomAD exomes 0.00016; gnomAD 0.00014; TOPMed 0.00018; ESP Exome Variant Server 0.00008.
gnomAD v4.1: 247 of 1,614,042 alleles (0.015%); highest among the groups gnomAD compares: Middle Eastern, 0.099%; no homozygotes.

Submissions (2):

Ambry Genetics
Classification: Uncertain significance for Inborn genetic diseases. Last evaluated: 2025-10-29. Review status: criteria provided, single submitter. Criteria: Ambry Variant Classification Scheme 2023. Collection method: clinical testing. Allele origin: germline.

Labcorp Genetics (formerly Invitae), Labcorp
Classification: Uncertain significance. Last evaluated: 2022-10-10. Review status: criteria provided, single submitter. Criteria: Invitae Variant Classification Sherloc (09022015). Collection method: clinical testing. Allele origin: germline.
Comment: This sequence change replaces glutamic acid, which is acidic and polar, with lysine, which is basic and polar, at codon 845 of the FNIP1 protein (p.Glu845Lys). This variant is present in population databases (rs377590143, gnomAD 0.02%). This variant has not been reported in the literature in individuals affected with FNIP1-related conditions. Algorithms developed to predict the effect of missense changes on protein structure and function are either unavailable or do not agree on the potential impact of this missense change (SIFT: "Tolerated"; PolyPhen-2: "Probably Damaging"; Align-GVGD: "Class C0"). In summary, the available evidence is currently insufficient to determine the role of this variant in disease. Therefore, it has been classified as a Variant of Uncertain Significance.